The following is an entry in ClinVar:

ClinVar aggregate classification (germline): Uncertain significance. Review status: criteria provided, multiple submitters, no conflicts (2 of 4 stars). 2 submissions from 2 submitters: Uncertain significance (2). Last evaluated 2022-06-16.

Conditions:
Retinitis pigmentosa 25 (RP25). Identifiers: Orphanet 791, MedGen C1864446, MONDO:0011272, OMIM 602772.

Allele frequency attached by ClinVar (database versions not stated): TOPMed 0.00001.
gnomAD v4.1: 6 of 1,530,694 alleles (0.00039%); highest among the groups gnomAD compares: East Asian, 0.0099%; no homozygotes.

Submissions (2):

Labcorp Genetics (formerly Invitae), Labcorp
Classification: Uncertain significance. Last evaluated: 2022-06-16. Review status: criteria provided, single submitter. Criteria: Invitae Variant Classification Sherloc (09022015). Collection method: clinical testing. Allele origin: germline.
Comment: This sequence change replaces cysteine, which is neutral and slightly polar, with tyrosine, which is neutral and polar, at codon 1158 of the EYS protein (p.Cys1158Tyr). This variant is present in population databases (no rsID available, gnomAD 0.02%). This variant has not been reported in the literature in individuals affected with EYS-related conditions. Algorithms developed to predict the effect of missense changes on protein structure and function output the following: SIFT: "Deleterious"; PolyPhen-2: "Probably Damaging"; Align-GVGD: "Class C65". The tyrosine amino acid residue is found in multiple mammalian species, which suggests that this missense change does not adversely affect protein function. In summary, the available evidence is currently insufficient to determine the role of this variant in disease. Therefore, it has been classified as a Variant of Uncertain Significance.

Siriraj Ophthalmic Genetics Research, Faculty of Medicine Siriraj Hospital, Mahidol University
Classification: Uncertain significance for Retinitis pigmentosa 25. Last evaluated: 2022-05-01. Review status: criteria provided, single submitter. Criteria: ACMG Guidelines, 2015. Collection method: research. Allele origin: germline. Affected: yes. Observed: 1 heterozygote.

NM_001142800.2(EYS):c.3473G>A (p.Cys1158Tyr)

Gene: EYS (eyes shut homolog; minus strand). Cytogenetic location: 6q12.
Variant type: single nucleotide variant.
Coding change: c.3473G>A on transcript NM_001142800.2 (MANE Select); coding-DNA position 3473, G replaced by A.
Protein change: p.Cys1158Tyr; replaces cysteine 1158 with tyrosine.
Molecular consequence: missense variant.
Genome position (GRCh38, 1-based): chr6:64,626,216, C>T on the plus strand (G>A on the coding strand, the complement: EYS is on the minus strand). VCF-style: chr6-64626216-C-T. GRCh37 (hg19) VCF-style: chr6-65336109-C-T.
Other names: c.3473G>A, p.Cys1158Tyr (NM_001292009.2); short protein forms C1158Y.
Identifiers: ClinVar variation 1799512 (VCV001799512.3), dbSNP rs1346175770, ClinGen allele CA364785473.